The following is an entry in ClinVar:

NM_007190.4(SEC23IP):c.1312+3G>A

Gene: SEC23IP (SEC23 interacting protein; plus strand). Cytogenetic location: 10q26.12.
Variant type: single nucleotide variant.
Coding change: c.1312+3G>A on transcript NM_007190.4 (MANE Select); 3 bases into the intron after coding-DNA position 1312, G replaced by A.
Molecular consequence: intron variant.
Genome position (GRCh38, 1-based): chr10:119,912,167, G>A. VCF-style: chr10-119912167-G-A. GRCh37 (hg19) VCF-style: chr10-121671679-G-A.
Other names: c.1312+3G>A (NM_001411070.1).
Identifiers: ClinVar variation 3049764 (VCV003049764.2), dbSNP rs1216385926, ClinGen allele CA660700207.

ClinVar aggregate classification (germline): Likely benign (0 of 4 stars; one submission).

Conditions:
SEC23IP-related disorder. Also called: SEC23IP-related condition.

Allele frequency attached by ClinVar (database versions not stated): gnomAD 0.00001; gnomAD exomes 0.00001; TOPMed 0.00002.
gnomAD v4.1: 11 of 1,613,764 alleles (0.00068%); highest among the groups gnomAD compares: Non-Finnish European, 0.00093%; no homozygotes.

Submission:

PreventionGenetics, part of Exact Sciences
Classification: Likely benign for SEC23IP-related condition. Last evaluated: 2019-07-23. Review status: no assertion criteria provided. Collection method: clinical testing. Allele origin: germline.
Comment: This variant is classified as likely benign based on ACMG/AMP sequence variant interpretation guidelines (Richards et al. 2015 PMID: 25741868, with internal and published modifications).